The following is an entry in ClinVar:

NM_004130.4(GYG1):c.608T>C (p.Val203Ala)

Gene: GYG1 (glycogenin 1; plus strand). Cytogenetic location: 3q24.
Variant type: single nucleotide variant.
Coding change: c.608T>C on transcript NM_004130.4 (MANE Select); coding-DNA position 608, T replaced by C.
Protein change: p.Val203Ala; replaces valine 203 with alanine.
Molecular consequence: missense variant.
Genome position (GRCh38, 1-based): chr3:149,009,402, T>C. VCF-style: chr3-149009402-T-C. GRCh37 (hg19) VCF-style: chr3-148727189-T-C.
Other names: NC_000003.11:g.148727189T>C; c.608T>C, p.Val203Ala (NM_001184720.2, NM_001184721.2); c.608T>C (NM_004130.3); short protein forms V203A.
Identifiers: ClinVar variation 4522455 (VCV004522455.2).

ClinVar aggregate classification (germline): Uncertain significance (1 of 4 stars; one submission).

Conditions:
GYG1-related disorder. Also called: GYG1-related condition.

gnomAD v4.1: 5 of 1,613,752 alleles (0.00031%); highest among the groups gnomAD compares: Non-Finnish European, 0.00042%; no homozygotes.

Submissions (2):

PreventionGenetics, part of Exact Sciences
Classification: Uncertain significance for GYG1-related condition. Last evaluated: 2025-07-23. Review status: criteria provided, single submitter. Criteria: ACMG Guidelines, 2015. Collection method: clinical testing. Allele origin: germline.
Comment: The GYG1 c.608T>C variant is predicted to result in the amino acid substitution p.Val203Ala. To our knowledge, this variant has not been reported in the literature or in a large population database (gnomAD), indicating this variant is rare. At this time, the clinical significance of this variant is uncertain due to the absence of conclusive functional and genetic evidence.

Dr. Peter K. Rogan Lab, Western University
No classification provided (evidence only). Condition: Nonpapillary renal cell carcinoma. Review status: no classification provided. Collection method: in vitro. Allele origin: not applicable. Functional consequence: skipped exon. Not counted in ClinVar's aggregate classification.